The following is an entry in ClinVar:

NM_001365951.3(KIF1B):c.3655T>G (p.Phe1219Val)

Gene: KIF1B (kinesin family member 1B; plus strand). Cytogenetic location: 1p36.22.
Variant type: single nucleotide variant.
Coding change: c.3655T>G on transcript NM_001365951.3 (MANE Select); coding-DNA position 3655, T replaced by G.
Protein change: p.Phe1219Val; replaces phenylalanine 1219 with valine.
Molecular consequence: missense variant.
Genome position (GRCh38, 1-based): chr1:10,343,254, T>G. VCF-style: chr1-10343254-T-G. GRCh37 (hg19) VCF-style: chr1-10403312-T-G.
Other names: c.3655T>G, p.Phe1219Val (NM_001365952.1); c.3517T>G, p.Phe1173Val (NM_015074.3); short protein forms F1219V, F1173V.
Identifiers: ClinVar variation 5023223 (VCV005023223.1).
Genomic context (GRCh38, chr1:10,343,254, plus strand): 5'-TCTTTATAGTCTTGATCTTTGTCTTCCTTTCTTTGCAGTCCGCCTCAGCCGTGCCGCCGA[T>G]TCTTCCCTCCACCCATGCCACTGTCCAAGCCAGGTGAGCACTCGCTCCGCTTTTTGCATG-3'
Protein context (NP_001352880.1, residues 1209-1229): LNSPPQPCRR[Phe1219Val]FPPPMPLSKP

ClinVar aggregate classification (germline): Uncertain significance (1 of 4 stars; one submission).

Submission:

Ambry Genetics
Classification: Uncertain significance. Last evaluated: 2026-08-27. Review status: criteria provided, single submitter. Criteria: Ambry Variant Classification Scheme 2023. Collection method: clinical testing. Allele origin: germline.
Comment: The p.F1173V variant (also known as c.3517T>G), located in coding exon 31 of the KIF1B gene, results from a T to G substitution at nucleotide position 3517. The phenylalanine at codon 1173 is replaced by valine, an amino acid with highly similar properties. This amino acid position is conserved. In addition, this alteration is predicted to be tolerated by in silico analysis. Based on the available evidence, the clinical significance of this variant remains unclear.